The following is an entry in ClinVar:

ClinVar aggregate classification (germline): Uncertain significance. Review status: criteria provided, multiple submitters, no conflicts (2 of 4 stars). 2 submissions from 2 submitters: Uncertain significance (2). Last evaluated 2025-12-20.

Conditions:
Hypertrophic cardiomyopathy 26. Also called: Cardiomyopathy, familial hypertrophic, 26. Identifiers: Orphanet 75249, MedGen C4310749, MONDO:0014883, OMIM 617047.
Myofibrillar myopathy 5. Also called: Filaminopathy (type); FILAMINOPATHY, AUTOSOMAL DOMINANT. Identifiers: Orphanet 171445, MedGen C1836050, MONDO:0012289, OMIM 609524.
Distal myopathy with posterior leg and anterior hand involvement. Also called: WILLIAMS DISTAL MYOPATHY. Identifiers: Orphanet 63273, MedGen C3279722, MONDO:0013550, OMIM 614065.
Cardiovascular phenotype. Identifiers: MedGen CN230736.

Allele frequency attached by ClinVar (database versions not stated): gnomAD exomes below 0.00001.
gnomAD v4.1: 2 of 1,614,162 alleles (0.00012%); highest among the groups gnomAD compares: Non-Finnish European, 0.00017%; no homozygotes.

Submissions (2):

Labcorp Genetics (formerly Invitae), Labcorp
Classification: Uncertain significance for Distal myopathy with posterior leg and anterior hand involvement; Myofibrillar myopathy 5; Hypertrophic cardiomyopathy 26. Last evaluated: 2025-12-20. Review status: criteria provided, single submitter. Criteria: Invitae Variant Classification Sherloc (09022015). Collection method: clinical testing. Allele origin: germline.
Comment: This sequence change replaces valine, which is neutral and non-polar, with methionine, which is neutral and non-polar, at codon 1440 of the FLNC protein (p.Val1440Met). This variant is present in population databases (no rsID available, gnomAD 0.002%). This variant has not been reported in the literature in individuals affected with FLNC-related conditions. ClinVar contains an entry for this variant (Variation ID: 2938150). Invitae Evidence Modeling of protein sequence and biophysical properties (such as structural, functional, and spatial information, amino acid conservation, physicochemical variation, residue mobility, and thermodynamic stability) has been performed for this missense variant. However, the output from this modeling did not meet the statistical confidence thresholds required to predict the impact of this variant on FLNC protein function. In summary, the available evidence is currently insufficient to determine the role of this variant in disease. Therefore, it has been classified as a Variant of Uncertain Significance.

Ambry Genetics
Classification: Uncertain significance for Cardiovascular phenotype. Last evaluated: 2025-08-22. Review status: criteria provided, single submitter. Criteria: Ambry Variant Classification Scheme 2023. Collection method: clinical testing. Allele origin: germline.

NM_001458.5(FLNC):c.4318G>A (p.Val1440Met)

Gene: FLNC (filamin C; plus strand). Cytogenetic location: 7q32.1.
Variant type: single nucleotide variant.
Coding change: c.4318G>A on transcript NM_001458.5 (MANE Select); coding-DNA position 4318, G replaced by A.
Protein change: p.Val1440Met; replaces valine 1440 with methionine.
Molecular consequence: missense variant.
Genome position (GRCh38, 1-based): chr7:128,847,726, G>A. VCF-style: chr7-128847726-G-A. GRCh37 (hg19) VCF-style: chr7-128487780-G-A.
Other names: c.4318G>A, p.Val1440Met (NM_001127487.2); short protein forms V1440M.
Identifiers: ClinVar variation 2938150 (VCV002938150.4), dbSNP rs1489699318, ClinGen allele CA369201161.